The following is an entry in ClinVar:

NM_001099646.3(SLC47A2):c.1596A>G (p.Arg532=)

Gene: SLC47A2 (solute carrier family 47 member 2; minus strand). Cytogenetic location: 17p11.2.
Variant type: single nucleotide variant.
Coding change: c.1596A>G on transcript NM_001099646.3 (MANE Select); coding-DNA position 1596, A replaced by G.
Protein change: p.Arg532=; no amino-acid change (arginine 532 retained).
Molecular consequence: synonymous variant. On other transcripts: non-coding transcript variant (2).
Genome position (GRCh38, 1-based): chr17:19,678,791, T>C on the plus strand (A>G on the coding strand, the complement: SLC47A2 is on the minus strand). VCF-style: chr17-19678791-T-C. GRCh37 (hg19) VCF-style: chr17-19582104-T-C.
Other names: c.1638A>G, p.Arg546= (NM_001256663.3); c.1704A>G, p.Arg568= (NM_152908.5).
Identifiers: ClinVar variation 3389324 (VCV003389324.14).

ClinVar aggregate classification (germline): Likely benign (1 of 4 stars; one submission).

gnomAD v4.1: 8 of 1,614,236 alleles (0.0005%); highest among the groups gnomAD compares: Non-Finnish European, 0.00068%; no homozygotes.

Submission:

CeGaT Center for Human Genetics Tuebingen
Classification: Likely benign. Last evaluated: 2024-11-01. Review status: criteria provided, single submitter. Criteria: CeGaT Center For Human Genetics Tuebingen Variant Classification Criteria Version 2. Collection method: clinical testing. Allele origin: germline. Affected: yes. Observed: 1 variant allele.
Comment: SLC47A2: BP4, BP7